The following is an entry in ClinVar:

NM_018238.4(AGK):c.655G>A (p.Val219Ile)

Gene: AGK (acylglycerol kinase; plus strand). Cytogenetic location: 7q34.
Variant type: single nucleotide variant.
Coding change: c.655G>A on transcript NM_018238.4 (MANE Select); coding-DNA position 655, G replaced by A.
Protein change: p.Val219Ile; replaces valine 219 with isoleucine.
Molecular consequence: missense variant.
Genome position (GRCh38, 1-based): chr7:141,633,967, G>A. VCF-style: chr7-141633967-G-A. GRCh37 (hg19) VCF-style: chr7-141333767-G-A.
Other names: c.655G>A, p.Val219Ile (NM_001364948.3); short protein forms V219I.
Identifiers: ClinVar variation 977343 (VCV000977343.6), dbSNP rs201584377, ClinGen allele CA4517526.

ClinVar aggregate classification (germline): Uncertain significance. Review status: criteria provided, multiple submitters, no conflicts (2 of 4 stars). 3 submissions from 3 submitters: Uncertain significance (3). Last evaluated 2025-03-20.

Conditions:
Sengers syndrome. Also called: MITOCHONDRIAL DNA DEPLETION SYNDROME 10 (CARDIOMYOPATHIC TYPE); Cardiomyopathy and cataract. Identifiers: Orphanet 1369, MedGen C1859317, MONDO:0008922, OMIM 212350.
Cataract 38. Also called: Cataract 38, autosomal recessive; Cataract, autosomal recessive congenital 5. Identifiers: Orphanet 91492, MedGen C3553494, MONDO:0013859, OMIM 614691.
AGK-related disorder. Also called: AGK-related condition; AGK-related disorders. Identifiers: MedGen CN239194.

Allele frequency attached by ClinVar (database versions not stated): gnomAD 0.00005 and 0.00007; gnomAD exomes 0.00006 and 0.00008; TOPMed 0.00006; ExAC 0.00009; ESP Exome Variant Server 0.00023; 1000 Genomes Project 30x 0.00031; 1000 Genomes Project 0.00040.
gnomAD v4.1: 123 of 1,613,662 alleles (0.0076%); highest among the groups gnomAD compares: Non-Finnish European, 0.0091%; no homozygotes.

Submissions (3):

PreventionGenetics, part of Exact Sciences
Classification: Uncertain significance for AGK-related condition. Last evaluated: 2025-03-20. Review status: criteria provided, single submitter. Criteria: ACMG Guidelines, 2015. Collection method: clinical testing. Allele origin: germline.
Comment: The AGK c.655G>A variant is predicted to result in the amino acid substitution p.Val219Ile. To our knowledge, this variant has not been reported in the literature. This variant is reported in 0.011% of alleles in individuals of Latino descent in gnomAD. At this time, the clinical significance of this variant is uncertain due to the absence of conclusive functional and genetic evidence.

Labcorp Genetics (formerly Invitae), Labcorp
Classification: Uncertain significance for Sengers syndrome; Cataract 38. Last evaluated: 2022-07-15. Review status: criteria provided, single submitter. Criteria: Invitae Variant Classification Sherloc (09022015). Collection method: clinical testing. Allele origin: germline.
Comment: This sequence change replaces valine, which is neutral and non-polar, with isoleucine, which is neutral and non-polar, at codon 219 of the AGK protein (p.Val219Ile). This variant is present in population databases (rs201584377, gnomAD 0.01%). This variant has not been reported in the literature in individuals affected with AGK-related conditions. ClinVar contains an entry for this variant (Variation ID: 977343). Algorithms developed to predict the effect of missense changes on protein structure and function output the following: SIFT: "Tolerated"; PolyPhen-2: "Benign"; Align-GVGD: "Class C0". The isoleucine amino acid residue is found in multiple mammalian species, which suggests that this missense change does not adversely affect protein function. In summary, the available evidence is currently insufficient to determine the role of this variant in disease. Therefore, it has been classified as a Variant of Uncertain Significance.

New York Genome Center
Classification: Uncertain significance for Sengers syndrome. Last evaluated: 2021-12-17. Review status: criteria provided, single submitter. Criteria: NYGC Assertion Criteria 2020. Collection method: clinical testing. Allele origin: germline. Observed: 1 heterozygote. Study: CSER-NYCKidSeq.